The following is an entry in ClinVar:

ClinVar aggregate classification (germline): Conflicting classifications of pathogenicity. Review status: criteria provided, conflicting classifications (1 of 4 stars). 2 submissions from 2 submitters: Uncertain significance (1); Likely benign (1). Last evaluated 2023-03-01.

Allele frequency attached by ClinVar (database versions not stated): TOPMed 0.00011; ExAC 0.00012; gnomAD 0.00014; ESP Exome Variant Server 0.00019.
gnomAD v4.1: 205 of 1,207,961 alleles (0.017%); highest among the groups gnomAD compares: Non-Finnish European, 0.02%; no homozygotes.

Submissions (2):

Ambry Genetics
Classification: Uncertain significance. Last evaluated: 2023-03-01. Review status: criteria provided, single submitter. Criteria: Ambry Variant Classification Scheme 2023. Collection method: clinical testing. Allele origin: germline.

CeGaT Center for Human Genetics Tuebingen
Classification: Likely benign. Last evaluated: 2023-02-01. Review status: criteria provided, single submitter. Criteria: CeGaT Center For Human Genetics Tuebingen Variant Classification Criteria Version 2. Collection method: clinical testing. Allele origin: germline. Affected: yes. Observed: 1 variant allele.
Comment: MAGEA10: BS2

NM_021048.5(MAGEA10):c.401T>C (p.Ile134Thr)

Genes: MAGEA10 (MAGE family member A10; minus strand), LOC100533997 (MAGEA10-MAGEA5 readthrough; minus strand). Cytogenetic location: Xq28.
Variant type: single nucleotide variant.
Coding change: c.401T>C on transcript NM_021048.5 (MANE Select); coding-DNA position 401, T replaced by C.
Protein change: p.Ile134Thr; replaces isoleucine 134 with threonine.
Molecular consequence: missense variant. On other transcripts: intron variant (1).
Genome position (GRCh38, 1-based): chrX:152,135,220, A>G on the plus strand (T>C on the coding strand, the complement: MAGEA10 is on the minus strand). VCF-style: chrX-152135220-A-G. GRCh37 (hg19) VCF-style: chrX-151303692-A-G.
Other names: c.401T>C, p.Ile134Thr (NM_001011543.3, NM_001251828.2); c.-278+3255T>C (NM_001204811.3); short protein forms I134T.
Identifiers: ClinVar variation 2460568 (VCV002460568.26), dbSNP rs377180452, ClinGen allele CA10542946.